The following is an entry in ClinVar:

NM_000051.4(ATM):c.1003G>T (p.Gly335Ter)

Gene: ATM (ATM serine/threonine kinase; plus strand). Cytogenetic location: 11q22.3.
Variant type: single nucleotide variant.
Coding change: c.1003G>T on transcript NM_000051.4 (MANE Select); coding-DNA position 1003, G replaced by T.
Protein change: p.Gly335Ter; replaces glycine 335 with a stop codon.
Molecular consequence: nonsense.
Genome position (GRCh38, 1-based): chr11:108,247,065, G>T. VCF-style: chr11-108247065-G-T. GRCh37 (hg19) VCF-style: chr11-108117792-G-T.
Other names: c.1003G>T, p.Gly335Ter (NM_001351834.2); short protein forms G335*.
Identifiers: ClinVar variation 479010 (VCV000479010.16), dbSNP rs1555068471, ClinGen allele CA382531372.

ClinVar aggregate classification (germline): Pathogenic/Likely pathogenic. Review status: criteria provided, multiple submitters, no conflicts (2 of 4 stars). 5 submissions from 5 submitters: Pathogenic (4); Likely pathogenic (1). Last evaluated 2025-10-10.

Conditions:
Hereditary cancer-predisposing syndrome. Also called: Hereditary Cancer Syndrome; Tumor predisposition; Neoplastic Syndromes, Hereditary; Hereditary neoplastic syndrome. Identifiers: Orphanet 140162, MedGen C0027672, MeSH D009386, MONDO:0015356.
ATM-related cancer predisposition. Also called: ATM-related cancer susceptibility. Identifiers: MedGen CN377759, MONDO:0700270.
Familial cancer of breast. Also called: BREAST CANCER, FAMILIAL; Hereditary breast cancer; hereditary breast carcinoma. Identifiers: Orphanet 227535, MedGen C0346153, MONDO:0016419, OMIM 114480. Disease mechanism: loss of function.
Ataxia-telangiectasia syndrome (AT). Also called: LOUIS-BAR SYNDROME; Ataxia telangiectasia (A-T); Cerebello-oculocutaneous telangiectasia; Immunodeficiency with ataxia telangiectasia; Ataxia-telangiectasia, complementation group E; ATAXIA-TELANGIECTASIA, COMPLEMENTATION GROUP A. Identifiers: Orphanet 100, MedGen C0004135, MONDO:0008840, OMIM 208900.

Submissions (5):

Women's Health and Genetics/Laboratory Corporation of America, LabCorp
Classification: Pathogenic for Ataxia-telangiectasia syndrome. Last evaluated: 2025-10-10. Review status: criteria provided, single submitter. Criteria: LabCorp Variant Classification Summary - May 2015. Collection method: clinical testing. Allele origin: germline.
Comment: Variant summary: ATM c.1003G>T (p.Gly335X) results in a premature termination codon, predicted to cause a truncation of the encoded protein or absence of the protein due to nonsense mediated decay, which are commonly known mechanisms for disease. The variant was absent in 251174 control chromosomes. To our knowledge, no occurrence of c.1003G>T in individuals affected with ATM-related conditions and no experimental evidence demonstrating its impact on protein function have been reported. ClinVar contains an entry for this variant (Variation ID: 479010). Based on the evidence outlined above, the variant was classified as pathogenic.

Institute for Genomic Medicine (IGM) Clinical Laboratory, Nationwide Children's Hospital
Classification: Likely pathogenic for ATM-related cancer predisposition. Last evaluated: 2025-06-12. Review status: criteria provided, single submitter. Criteria: ACMG Guidelines, 2015. Collection method: clinical testing. Allele origin: germline.
Comment: This variant is predicted to result in loss of function through nonsense-mediated decay of the encoded transcript or premature truncation of the encoded protein in a gene in which loss of function is a known mechanism of disease (ACMG/AMP: PVS1; PMIDs:10677309, 33509806). This variant is absent from or present at an exceedingly low frequency in gnomAD, a large-scale control population database (ACMG/AMP: PM2).

Labcorp Genetics (formerly Invitae), Labcorp
Classification: Pathogenic for Ataxia-telangiectasia syndrome. Last evaluated: 2024-01-25. Review status: criteria provided, single submitter. Criteria: Invitae Variant Classification Sherloc (09022015). Collection method: clinical testing. Allele origin: germline.
Comment: This sequence change creates a premature translational stop signal (p.Gly335*) in the ATM gene. It is expected to result in an absent or disrupted protein product. Loss-of-function variants in ATM are known to be pathogenic (PMID: 23807571, 25614872). This variant is not present in population databases (gnomAD no frequency). This variant has not been reported in the literature in individuals affected with ATM-related conditions. ClinVar contains an entry for this variant (Variation ID: 479010). For these reasons, this variant has been classified as Pathogenic.

Myriad Genetics, Inc.
Classification: Pathogenic for Familial cancer of breast. Last evaluated: 2024-01-11. Review status: criteria provided, single submitter. Criteria: Myriad Autosomal Dominant, Autosomal Recessive and X-Linked Classification Criteria (2023). Collection method: clinical testing. Allele origin: unknown.
Comment: This variant is considered pathogenic. This variant creates a termination codon and is predicted to result in premature protein truncation.

Ambry Genetics
Classification: Pathogenic for Hereditary cancer-predisposing syndrome. Last evaluated: 2023-08-28. Review status: criteria provided, single submitter. Criteria: Ambry Variant Classification Scheme 2023. Collection method: clinical testing. Allele origin: germline.
Comment: The p.G335* pathogenic mutation (also known as c.1003G>T), located in coding exon 7 of the ATM gene, results from a G to T substitution at nucleotide position 1003. This changes the amino acid from a glycine to a stop codon within coding exon 7. This alteration is expected to result in loss of function by premature protein truncation or nonsense-mediated mRNA decay. As such, this alteration is interpreted as a disease-causing mutation.

Literature cited by the submitters: PubMed 10677309 (cited by Institute for Genomic Medicine (IGM) Clinical Laboratory, Nationwide Children's Hospital); PubMed 33509806 (cited by Institute for Genomic Medicine (IGM) Clinical Laboratory, Nationwide Children's Hospital); PubMed 23807571 (cited by Labcorp Genetics (formerly Invitae), Labcorp); PubMed 25614872 (cited by Labcorp Genetics (formerly Invitae), Labcorp).